The following is an entry in ClinVar:

NM_000443.4(ABCB4):c.3111T>C (p.Asn1037=)

Gene: ABCB4 (ATP binding cassette subfamily B member 4; minus strand). Cytogenetic location: 7q21.12.
Variant type: single nucleotide variant.
Coding change: c.3111T>C on transcript NM_000443.4 (MANE Select); coding-DNA position 3111, T replaced by C.
Protein change: p.Asn1037=; no amino-acid change (asparagine 1037 retained).
Molecular consequence: synonymous variant.
Genome position (GRCh38, 1-based): chr7:87,408,205, A>G on the plus strand (T>C on the coding strand, the complement: ABCB4 is on the minus strand). VCF-style: chr7-87408205-A-G. GRCh37 (hg19) VCF-style: chr7-87037521-A-G.
Other names: c.3111T>C, p.Asn1037= (NM_018849.3); c.2970T>C, p.Asn990= (NM_018850.3).
Identifiers: ClinVar variation 498331 (VCV000498331.15), dbSNP rs8187808, ClinGen allele CA4326854.

ClinVar aggregate classification (germline): Conflicting classifications of pathogenicity. Review status: criteria provided, conflicting classifications (1 of 4 stars). 4 submissions from 4 submitters: Uncertain significance (1); Likely benign (2). 1 of the submissions does not count toward it. Last evaluated 2025-10-24.

Conditions:
ABCB4-related disorder. Also called: ABCB4-related disorders; ABCB4-related condition.

Allele frequency attached by ClinVar (database versions not stated): gnomAD exomes 0.00002 and 0.00005; ExAC 0.00010; gnomAD 0.00018 and 0.00019; TOPMed 0.00022; ESP Exome Variant Server 0.00023; 1000 Genomes Project 30x 0.00047; 1000 Genomes Project 0.00060.
gnomAD v4.1: 58 of 1,614,202 alleles (0.0036%); highest among the groups gnomAD compares: African/African-American, 0.065%; no homozygotes.

Submissions (4):

Labcorp Genetics (formerly Invitae), Labcorp
Classification: Likely benign. Last evaluated: 2025-10-24. Review status: criteria provided, single submitter. Criteria: Invitae Variant Classification Sherloc (09022015). Collection method: clinical testing. Allele origin: germline.

Blueprint Genetics
Classification: Likely benign. Last evaluated: 2024-02-19. Review status: criteria provided, single submitter. Criteria: ACMG Guidelines, 2015. Collection method: clinical testing. Allele origin: germline.

Eurofins Ntd Llc (ga)
Classification: Uncertain significance. Last evaluated: 2018-08-10. Review status: criteria provided, single submitter. Criteria: EGL ClinVar v180209 classification definitions. Collection method: clinical testing. Allele origin: germline. Observed: 3 variant alleles, 3 heterozygotes.

PreventionGenetics, part of Exact Sciences
Classification: Likely benign for ABCB4-related condition. Last evaluated: 2019-08-22. Review status: no assertion criteria provided. Collection method: clinical testing. Allele origin: germline. Not counted in ClinVar's aggregate classification.
Comment: This variant is classified as likely benign based on ACMG/AMP sequence variant interpretation guidelines (Richards et al. 2015 PMID: 25741868, with internal and published modifications).